The following is an entry in ClinVar:

ClinVar aggregate classification (germline): Uncertain significance (1 of 4 stars; one submission).

Conditions:
Glutaric aciduria, type 1. Also called: Glutaric Acidemia Type 1; Glutaricaciduria, type I; GA I; Glutaric acidemia type I; Glutaricacidemia Type 1; Glutaryl-CoA dehydrogenase deficiency. Identifiers: Orphanet 25, MedGen C0268595, MONDO:0009281, OMIM 231670.

Submission:

Labcorp Genetics (formerly Invitae), Labcorp
Classification: Uncertain significance for Glutaric aciduria, type 1. Last evaluated: 2025-04-21. Review status: criteria provided, single submitter. Criteria: Invitae Variant Classification Sherloc (09022015). Collection method: clinical testing. Allele origin: germline.
Comment: This sequence change replaces arginine, which is basic and polar, with tryptophan, which is neutral and slightly polar, at codon 328 of the GCDH protein (p.Arg328Trp). Information on the frequency of this variant in the gnomAD database is not available, as this variant may be reported differently in the database. This variant has not been reported in the literature in individuals affected with GCDH-related conditions. ClinVar contains an entry for this variant (Variation ID: 2129431). Experimental studies and prediction algorithms are not available or were not evaluated, and the functional significance of this variant is currently unknown. In summary, the available evidence is currently insufficient to determine the role of this variant in disease. Therefore, it has been classified as a Variant of Uncertain Significance.

NM_000159.4(GCDH):c.981_982delinsTT (p.Arg328Trp)

Gene: GCDH (glutaryl-CoA dehydrogenase; plus strand). Cytogenetic location: 19p13.13.
Variant type: Indel.
Coding change: c.981_982delinsTT on transcript NM_000159.4 (MANE Select); coding-DNA positions 981 to 982, CA replaced by TT.
Protein change: p.Arg328Trp; replaces arginine 328 with tryptophan.
Molecular consequence: missense variant. On other transcripts: non-coding transcript variant (2).
Genome position (GRCh38, 1-based): chr19:12,897,327-12,897,328, CA replaced by TT. VCF-style: chr19-12897327-CA-TT. GRCh37 (hg19) VCF-style: chr19-13008141-CA-TT.
Other names: c.981_982delinsTT, p.Arg328Trp (NM_013976.5); short protein forms R328W.
Identifiers: ClinVar variation 2129431 (VCV002129431.4), dbSNP rs2512575947, ClinGen allele CA2580096551.